The following is an entry in ClinVar:

ClinVar aggregate classification (germline): Pathogenic (1 of 4 stars; one submission).

Conditions:
Familial cancer of breast. Also called: Hereditary breast cancer; BREAST CANCER, FAMILIAL; hereditary breast carcinoma. Identifiers: Orphanet 227535, MedGen C0346153, MONDO:0016419, OMIM 114480. Disease mechanism: loss of function.

Submission:

Myriad Genetics, Inc.
Classification: Pathogenic for Familial cancer of breast. Last evaluated: 2023-06-23. Review status: criteria provided, single submitter. Criteria: Myriad Autosomal Dominant, Autosomal Recessive and X-Linked Classification Criteria (2023). Collection method: clinical testing. Allele origin: unknown.
Comment: This variant is considered pathogenic. This variant creates a frameshift predicted to result in premature protein truncation.

NM_007194.4(CHEK2):c.461dup (p.Asn154fs)

Gene: CHEK2 (checkpoint kinase 2; minus strand). Cytogenetic location: 22q12.1.
Variant type: Duplication.
Coding change: c.461dup on transcript NM_007194.4 (MANE Select); coding-DNA position 461, one base duplicated (A; older notation c.461dupA).
Protein change: p.Asn154fs; shifts the reading frame from asparagine 154.
Molecular consequence: frameshift variant. On other transcripts: 5 prime UTR variant (2), intron variant (1).
Genome position (GRCh38, 1-based): chr22:28,725,108, T duplicated on the plus strand (A on the coding strand, the reverse complement: CHEK2 is on the minus strand); the first of 5 consecutive T bases (chr22:28,725,108-28,725,112); duplicating any one gives the same sequence. VCF-style (leftmost placement, unchanged base first): chr22-28725107-G-GT. GRCh37 (hg19) VCF-style: chr22-29121095-G-GT.
Other names: c.590dup, p.Asn197fs (NM_001005735.3, NM_001438294.1); c.-317dup (NM_001257387.3); c.-203dup (NM_001437942.1); c.554dup, p.Asn185fs (NM_001438293.1, NM_001438295.1); c.461dup, p.Asn154fs (NM_145862.3); c.444+135dup (NM_001349956.3); short protein forms N154fs, N197fs, N185fs.
Identifiers: ClinVar variation 2583632 (VCV002583632.2), dbSNP rs2518054728, ClinGen allele CA645603986.